The following is an entry in ClinVar:

ClinVar aggregate classification (germline): Uncertain significance. Review status: criteria provided, multiple submitters, no conflicts (2 of 4 stars). 2 submissions from 2 submitters: Uncertain significance (2). Last evaluated 2025-05-07.

Conditions:
Emery-Dreifuss muscular dystrophy 5, autosomal dominant (EDMD5). Also called: EMERY-DREIFUSS MUSCULAR DYSTROPHY 5. Identifiers: Orphanet 261, MedGen C2751805, MONDO:0013072, OMIM 612999.

Allele frequency attached by ClinVar (database versions not stated): TOPMed below 0.00001; gnomAD 0.00001; gnomAD exomes 0.00001.

Submissions (2):

Labcorp Genetics (formerly Invitae), Labcorp
Classification: Uncertain significance for Emery-Dreifuss muscular dystrophy 5, autosomal dominant. Last evaluated: 2025-05-07. Review status: criteria provided, single submitter. Criteria: Invitae Variant Classification Sherloc (09022015). Collection method: clinical testing. Allele origin: germline.
Comment: This sequence change replaces methionine, which is neutral and non-polar, with valine, which is neutral and non-polar, at codon 1797 of the SYNE2 protein (p.Met1797Val). This variant is present in population databases (rs199968665, gnomAD 0.004%). This variant has not been reported in the literature in individuals affected with SYNE2-related conditions. ClinVar contains an entry for this variant (Variation ID: 282030). An algorithm developed to predict the effect of missense changes on protein structure and function (PolyPhen-2) suggests that this variant is likely to be disruptive. In summary, the available evidence is currently insufficient to determine the role of this variant in disease. Therefore, it has been classified as a Variant of Uncertain Significance.

Eurofins Ntd Llc (ga)
Classification: Uncertain significance. Last evaluated: 2015-07-15. Review status: criteria provided, single submitter. Criteria: EGL Classification Definitions 2015. Collection method: clinical testing. Allele origin: germline. Observed: 1 variant allele, 1 heterozygote.

NM_182914.3(SYNE2):c.5389A>G (p.Met1797Val)

Gene: SYNE2 (spectrin repeat containing nuclear envelope protein 2; plus strand). Cytogenetic location: 14q23.2.
Variant type: single nucleotide variant.
Coding change: c.5389A>G on transcript NM_182914.3 (MANE Select); coding-DNA position 5389, A replaced by G.
Protein change: p.Met1797Val; replaces methionine 1797 with valine.
Molecular consequence: missense variant.
Genome position (GRCh38, 1-based): chr14:64,021,893, A>G. VCF-style: chr14-64021893-A-G. GRCh37 (hg19) VCF-style: chr14-64488611-A-G.
Other names: c.5389A>G, p.Met1797Val (NM_015180.6); short protein forms M1797V.
Identifiers: ClinVar variation 282030 (VCV000282030.14), dbSNP rs199968665, ClinGen allele CA10604042.